The following is an entry in ClinVar:

NM_003922.4(HERC1):c.1724C>T (p.Ala575Val)

Gene: HERC1 (HECT and RLD domain containing E3 ubiquitin protein ligase family member 1; minus strand). Cytogenetic location: 15q22.31.
Variant type: single nucleotide variant.
Coding change: c.1724C>T on transcript NM_003922.4 (MANE Select); coding-DNA position 1724, C replaced by T.
Protein change: p.Ala575Val; replaces alanine 575 with valine.
Molecular consequence: missense variant.
Genome position (GRCh38, 1-based): chr15:63,754,555, G>A on the plus strand (C>T on the coding strand, the complement: HERC1 is on the minus strand). VCF-style: chr15-63754555-G-A. GRCh37 (hg19) VCF-style: chr15-64046754-G-A.
Other names: short protein forms A575V.
Identifiers: ClinVar variation 2167368 (VCV002167368.4), dbSNP rs2075358321, ClinGen allele CA392803619.

ClinVar aggregate classification (germline): Uncertain significance (1 of 4 stars; one submission).

Allele frequency attached by ClinVar (database versions not stated): gnomAD exomes below 0.00001; TOPMed 0.00001.
gnomAD v4.1: 3 of 1,613,454 alleles (0.00019%); highest among the groups gnomAD compares: East Asian, 0.0022%; no homozygotes.

Submission:

Labcorp Genetics (formerly Invitae), Labcorp
Classification: Uncertain significance. Last evaluated: 2024-10-15. Review status: criteria provided, single submitter. Criteria: Invitae Variant Classification Sherloc (09022015). Collection method: clinical testing. Allele origin: germline.
Comment: This sequence change replaces alanine, which is neutral and non-polar, with valine, which is neutral and non-polar, at codon 575 of the HERC1 protein (p.Ala575Val). This variant is not present in population databases (gnomAD no frequency). This variant has not been reported in the literature in individuals affected with HERC1-related conditions. ClinVar contains an entry for this variant (Variation ID: 2167368). Invitae Evidence Modeling of protein sequence and biophysical properties (such as structural, functional, and spatial information, amino acid conservation, physicochemical variation, residue mobility, and thermodynamic stability) indicates that this missense variant is not expected to disrupt HERC1 protein function with a negative predictive value of 80%. In summary, the available evidence is currently insufficient to determine the role of this variant in disease. Therefore, it has been classified as a Variant of Uncertain Significance.